The following is an entry in ClinVar:

NM_001009999.3(KDM1A):c.520C>G (p.Gln174Glu)

Gene: KDM1A (lysine demethylase 1A; plus strand). Cytogenetic location: 1p36.12.
Variant type: single nucleotide variant.
Coding change: c.520C>G on transcript NM_001009999.3 (MANE Select); coding-DNA position 520, C replaced by G.
Protein change: p.Gln174Glu; replaces glutamine 174 with glutamic acid.
Molecular consequence: missense variant. On other transcripts: intron variant (3).
Genome position (GRCh38, 1-based): chr1:23,044,429, C>G. VCF-style: chr1-23044429-C-G. GRCh37 (hg19) VCF-style: chr1-23370922-C-G.
Other names: c.520C>G, p.Gln174Glu (NM_001410762.1); c.518-5958C>G (NM_001363654.2, NM_001410763.1, NM_015013.4); short protein forms Q174E.
Identifiers: ClinVar variation 4841901 (VCV004841901.1).
Genomic context (GRCh38, chr1:23,044,429, plus strand): 5'-CAGATATTATCCTAATTTATGGAGTAAGGTCCCTGAGTTCTCCTCTTTCCTTCCACAGGG[C>G]AAGCAGGAGGACTTCAAGACGACAGTTCTGGAGGGTATGGAGACGGCCAAGCATCAGGTG-3'
Protein context (NP_001009999.1, residues 164-184): NESEPEEPSG[Gln174Glu]AGGLQDDSSG

ClinVar aggregate classification (germline): Uncertain significance (1 of 4 stars; one submission).

Conditions:
Inborn genetic diseases. Identifiers: MedGen C0950123, MeSH D030342.

Submission:

Ambry Genetics
Classification: Uncertain significance for Inborn genetic diseases. Last evaluated: 2025-12-16. Review status: criteria provided, single submitter. Criteria: Ambry Variant Classification Scheme 2023. Collection method: clinical testing. Allele origin: germline.
Comment: The p.Q174E variant (also known as c.520C>G), located in coding exon 3 of the KDM1A gene, results from a C to G substitution at nucleotide position 520. The glutamine at codon 174 is replaced by glutamic acid, an amino acid with highly similar properties. This amino acid position is conserved. In addition, this alteration is predicted to be tolerated by in silico analysis. Based on the available evidence, the clinical significance of this variant remains unclear.